The following is an entry in ClinVar:

NM_000368.5(TSC1):c.2425G>A (p.Glu809Lys)

Gene: TSC1 (TSC complex subunit 1; minus strand). Cytogenetic location: 9q34.13.
Variant type: single nucleotide variant.
Coding change: c.2425G>A on transcript NM_000368.5 (MANE Select); coding-DNA position 2425, G replaced by A.
Protein change: p.Glu809Lys; replaces glutamic acid 809 with lysine.
Molecular consequence: missense variant.
Genome position (GRCh38, 1-based): chr9:132,901,666, C>T on the plus strand (G>A on the coding strand, the complement: TSC1 is on the minus strand). VCF-style: chr9-132901666-C-T. GRCh37 (hg19) VCF-style: chr9-135777053-C-T.
Other names: c.2422G>A, p.Glu808Lys (NM_001162426.2); c.2272G>A, p.Glu758Lys (NM_001162427.2); c.2062G>A, p.Glu688Lys (NM_001362177.2); short protein forms E808K, E809K, E688K, E758K.
Identifiers: ClinVar variation 1422802 (VCV001422802.12), dbSNP rs118203692, ClinGen allele CA375358638.

ClinVar aggregate classification (germline): Uncertain significance. Review status: criteria provided, multiple submitters, no conflicts (2 of 4 stars). 3 submissions from 3 submitters: Uncertain significance (3). Last evaluated 2025-09-12.

Conditions:
Hereditary cancer-predisposing syndrome. Also called: Hereditary neoplastic syndrome; Tumor predisposition; Hereditary Cancer Syndrome; Neoplastic Syndromes, Hereditary. Identifiers: Orphanet 140162, MedGen C0027672, MeSH D009386, MONDO:0015356.
Tuberous sclerosis 1 (TSC1). Identifiers: Orphanet 805, MedGen C1854465, MONDO:0008612, OMIM 191100.

Submissions (3):

Labcorp Genetics (formerly Invitae), Labcorp
Classification: Uncertain significance for Tuberous sclerosis 1. Last evaluated: 2025-09-12. Review status: criteria provided, single submitter. Criteria: Invitae Variant Classification Sherloc (09022015). Collection method: clinical testing. Allele origin: germline.
Comment: This sequence change replaces glutamic acid, which is acidic and polar, with lysine, which is basic and polar, at codon 809 of the TSC1 protein (p.Glu809Lys). This variant is not present in population databases (gnomAD no frequency). This variant has not been reported in the literature in individuals affected with TSC1-related conditions. ClinVar contains an entry for this variant (Variation ID: 1422802). Invitae Evidence Modeling of protein sequence and biophysical properties (such as structural, functional, and spatial information, amino acid conservation, physicochemical variation, residue mobility, and thermodynamic stability) indicates that this missense variant is not expected to disrupt TSC1 protein function with a negative predictive value of 95%. In summary, the available evidence is currently insufficient to determine the role of this variant in disease. Therefore, it has been classified as a Variant of Uncertain Significance.

Ambry Genetics
Classification: Uncertain significance for Hereditary cancer-predisposing syndrome. Last evaluated: 2025-07-12. Review status: criteria provided, single submitter. Criteria: Ambry Variant Classification Scheme 2023. Collection method: clinical testing. Allele origin: germline.
Comment: The p.E809K variant (also known as c.2425G>A), located in coding exon 17 of the TSC1 gene, results from a G to A substitution at nucleotide position 2425. The glutamic acid at codon 809 is replaced by lysine, an amino acid with similar properties. This amino acid position is conserved. In addition, the in silico prediction for this alteration is inconclusive. Since supporting evidence is limited at this time, the clinical significance of this alteration remains unclear.

GeneDx
Classification: Uncertain significance. Last evaluated: 2024-07-13. Review status: criteria provided, single submitter. Criteria: GeneDx Variant Classification Process June 2021. Collection method: clinical testing. Allele origin: germline. Affected: yes.
Comment: Not observed at significant frequency in large population cohorts (gnomAD); In silico analysis indicates that this missense variant does not alter protein structure/function; Has not been previously published as pathogenic or benign to our knowledge